The following is an entry in ClinVar:

ClinVar aggregate classification (germline): Uncertain significance (1 of 4 stars; one submission).

Submission:

GeneDx
Classification: Uncertain significance. Last evaluated: 2022-10-05. Review status: criteria provided, single submitter. Criteria: GeneDx Variant Classification Process June 2021. Collection method: clinical testing. Allele origin: germline. Affected: yes.
Comment: Not observed at significant frequency in large population cohorts (gnomAD); In silico analysis supports that this missense variant has a deleterious effect on protein structure/function; Has not been previously published as pathogenic or benign to our knowledge

NM_001371623.1(TCOF1):c.53T>C (p.Leu18Pro)

Genes: TCOF1 (treacle ribosome biogenesis factor 1; plus strand), LOC129994985 (ATAC-STARR-seq lymphoblastoid silent region 16507; plus strand). Cytogenetic location: 5q32.
Variant type: single nucleotide variant.
Coding change: c.53T>C on transcript NM_001371623.1 (MANE Select); coding-DNA position 53, T replaced by C.
Protein change: p.Leu18Pro; replaces leucine 18 with proline.
Molecular consequence: missense variant.
Genome position (GRCh38, 1-based): chr5:150,357,799, T>C. VCF-style: chr5-150357799-T-C. GRCh37 (hg19) VCF-style: chr5-149737362-T-C.
Other names: c.53T>C, p.Leu18Pro (NM_000356.4, NM_001008657.3, NM_001135243.2 and 3 more transcripts); short protein forms L18P.
Identifiers: ClinVar variation 2498031 (VCV002498031.1), dbSNP rs2532518941, ClinGen allele CA361725978.